The following is an entry in ClinVar:

ClinVar aggregate classification (germline): Conflicting classifications of pathogenicity. Review status: criteria provided, conflicting classifications (1 of 4 stars). 5 submissions from 5 submitters: Uncertain significance (3); Likely benign (2). Last evaluated 2026-02-03.

Conditions:
Cardiovascular phenotype. Identifiers: MedGen CN230736.
Naxos disease (NXD). Also called: PALMOPLANTAR KERATODERMA WITH ARRHYTHMOGENIC RIGHT VENTRICULAR CARDIOMYOPATHY AND WOOLLY HAIR; WOOLLY HAIR, PALMOPLANTAR KERATODERMA, AND CARDIAC ABNORMALITIES; KERATOSIS PALMOPLANTARIS WITH ARRHYTHMOGENIC CARDIOMYOPATHY; MAL DE NAXOS; CARDIOMYOPATHY, ARRHYTHMOGENIC RIGHT VENTRICULAR, WITH SKIN, HAIR, AND NAIL ABNORMALITIES. Identifiers: Orphanet 34217, MedGen C1832600, MONDO:0011017, OMIM 601214.
Arrhythmogenic right ventricular dysplasia 12. Also called: ARRHYTHMOGENIC RIGHT VENTRICULAR DYSPLASIA, FAMILIAL, 12. Identifiers: MedGen C1969081, MONDO:0012684, OMIM 611528.

Allele frequency attached by ClinVar (database versions not stated): gnomAD 0.00001 and 0.00003; gnomAD exomes 0.00006 and 0.00002; 1000 Genomes Project 0.00040; ExAC 0.00005; 1000 Genomes Project 30x 0.00047; TOPMed 0.00001.
gnomAD v4.1: 19 of 1,605,972 alleles (0.0012%); highest among the groups gnomAD compares: Admixed American, 0.021%; no homozygotes.

Submissions (5):

Labcorp Genetics (formerly Invitae), Labcorp
Classification: Uncertain significance for Arrhythmogenic right ventricular dysplasia 12; Naxos disease. Last evaluated: 2026-02-03. Review status: criteria provided, single submitter. Criteria: Invitae Variant Classification Sherloc (09022015). Collection method: clinical testing. Allele origin: germline.
Comment: This sequence change replaces methionine, which is neutral and non-polar, with threonine, which is neutral and polar, at codon 89 of the JUP protein (p.Met89Thr). This variant is present in population databases (rs542745694, gnomAD 0.03%). This variant has not been reported in the literature in individuals affected with JUP-related conditions. ClinVar contains an entry for this variant (Variation ID: 583093). An algorithm developed to predict the effect of missense changes on protein structure and function (PolyPhen-2) suggests that this variant is likely to be tolerated. In summary, the available evidence is currently insufficient to determine the role of this variant in disease. Therefore, it has been classified as a Variant of Uncertain Significance.

GeneDx
Classification: Uncertain significance. Last evaluated: 2022-08-09. Review status: criteria provided, single submitter. Criteria: GeneDx Variant Classification Process June 2021. Collection method: clinical testing. Allele origin: germline. Affected: yes.
Comment: In silico analysis supports that this missense variant has a deleterious effect on protein structure/function; Has not been previously published as pathogenic or benign to our knowledge

Ambry Genetics
Classification: Likely benign for Cardiovascular phenotype. Last evaluated: 2021-08-12. Review status: criteria provided, single submitter. Criteria: Ambry Variant Classification Scheme 2023. Collection method: clinical testing. Allele origin: germline.

Women's Health and Genetics/Laboratory Corporation of America, LabCorp
Classification: Likely benign. Last evaluated: 2019-11-05. Review status: criteria provided, single submitter. Criteria: LabCorp Variant Classification Summary - May 2015. Collection method: clinical testing. Allele origin: germline.
Comment: Variant summary: JUP c.266T>C (p.Met89Thr) results in a non-conservative amino acid change in the encoded protein sequence. Four of five in-silico tools predict a damaging effect of the variant on protein function. The variant allele was found at a frequency of 5.6e-05 in 232480 control chromosomes, predominantly at a frequency of 0.00034 within the Latino subpopulation in the gnomAD database. The observed variant frequency within Latino control individuals in the gnomAD database is approximately 34 fold of the estimated maximal expected allele frequency for a pathogenic variant in JUP causing Arrhythmia phenotype (1e-05), strongly suggesting that the variant is a benign polymorphism found primarily in populations of Latino origin. To our knowledge, no occurrence of c.266T>C in individuals affected with Arrhythmia and no experimental evidence demonstrating its impact on protein function have been reported. Two ClinVar submitters (evaluation after 2014) cite the variant as uncertain significance. Based on the evidence outlined above, the variant was classified as likely benign.

Stanford Center for Inherited Cardiovascular Disease, Stanford University
Classification: Uncertain significance. Last evaluated: 2017-04-21. Review status: criteria provided, single submitter. Criteria: ACMG Guidelines, 2015. Collection method: provider interpretation. Allele origin: germline.

NM_002230.4(JUP):c.266T>C (p.Met89Thr)

Gene: JUP (junction plakoglobin; minus strand). Cytogenetic location: 17q21.2.
Variant type: single nucleotide variant.
Coding change: c.266T>C on transcript NM_002230.4 (MANE Select); coding-DNA position 266, T replaced by C.
Protein change: p.Met89Thr; replaces methionine 89 with threonine.
Molecular consequence: missense variant.
Genome position (GRCh38, 1-based): chr17:41,769,620, A>G on the plus strand (T>C on the coding strand, the complement: JUP is on the minus strand). VCF-style: chr17-41769620-A-G. GRCh37 (hg19) VCF-style: chr17-39925872-A-G.
Other names: c.266T>C, p.Met89Thr (NM_001352773.2, NM_001352774.2, NM_001352775.2 and 3 more transcripts); short protein forms M89T.
Identifiers: ClinVar variation 583093 (VCV000583093.15), dbSNP rs542745694, ClinGen allele CA8565528.